The following is an entry in ClinVar:

NM_001024630.4(RUNX2):c.202C>T (p.Gln68Ter)

Genes: RUNX2 (RUNX family transcription factor 2; plus strand), LOC109611589 (runt related transcription factor 2 polyalanine expansion region; plus strand). Cytogenetic location: 6p21.1.
Variant type: single nucleotide variant.
Coding change: c.202C>T on transcript NM_001024630.4 (MANE Select); coding-DNA position 202, C replaced by T.
Protein change: p.Gln68Ter; replaces glutamine 68 with a stop codon.
Molecular consequence: nonsense.
Genome position (GRCh38, 1-based): chr6:45,422,736, C>T. VCF-style: chr6-45422736-C-T. GRCh37 (hg19) VCF-style: chr6-45390473-C-T.
Other names: c.202C>T, p.Gln68Ter (NM_001015051.4); c.160C>T, p.Gln54Ter (NM_001278478.2, NM_001369405.1); short protein forms Q68*, Q54*.
Identifiers: ClinVar variation 3655747 (VCV003655747.3).

ClinVar aggregate classification (germline): Pathogenic/Likely pathogenic. Review status: criteria provided, multiple submitters, no conflicts (2 of 4 stars). 2 submissions from 2 submitters: Pathogenic (1); Likely pathogenic (1). Last evaluated 2024-06-05.

Conditions:
RUNX2-related disorder. Also called: RUNX2-related condition.

Submissions (2):

Labcorp Genetics (formerly Invitae), Labcorp
Classification: Pathogenic. Last evaluated: 2024-06-05. Review status: criteria provided, single submitter. Criteria: Invitae Variant Classification Sherloc (09022015). Collection method: clinical testing. Allele origin: germline.
Comment: This sequence change creates a premature translational stop signal (p.Gln68*) in the RUNX2 gene. It is expected to result in an absent or disrupted protein product. Loss-of-function variants in RUNX2 are known to be pathogenic (PMID: 10521292, 11857736). This variant is not present in population databases (gnomAD no frequency). This variant has not been reported in the literature in individuals affected with RUNX2-related conditions. For these reasons, this variant has been classified as Pathogenic.

Blueprint Genetics
Classification: Likely pathogenic for RUNX2-related disorders. Last evaluated: 2021-09-09. Review status: criteria provided, single submitter. Criteria: ACMG Guidelines, 2015. Collection method: clinical testing. Allele origin: germline. Affected: yes. Observed: 1 variant allele.

Literature cited by the submitters: PubMed 10521292 (cited by Labcorp Genetics (formerly Invitae), Labcorp); PubMed 11857736 (cited by Labcorp Genetics (formerly Invitae), Labcorp).